The following is an entry in ClinVar:

NM_001433705.1(NLRP5):c.2294+157G>A

Gene: NLRP5 (NLR family pyrin domain containing 5; plus strand). Cytogenetic location: 19q13.43.
Variant type: single nucleotide variant.
Coding change: c.2294+157G>A on transcript NM_001433705.1 (MANE Select); 157 bases into the intron after coding-DNA position 2294, G replaced by A.
Molecular consequence: intron variant.
Genome position (GRCh38, 1-based): chr19:56,032,938, G>A. VCF-style: chr19-56032938-G-A. GRCh37 (hg19) VCF-style: chr19-56544304-G-A.
Other names: NM_153447.4:c.2447+157G>A.
Identifiers: ClinVar variation 103284 (VCV000103284.2), dbSNP rs199475779, ClinGen allele CA230367.

ClinVar aggregate classification (germline): not provided (0 of 4 stars; one submission).

Allele frequency attached by ClinVar (database versions not stated): TOPMed 0.00010; gnomAD 0.00011 and 0.00014; 1000 Genomes Project 30x 0.00062; 1000 Genomes Project 0.00080.
gnomAD v4.1: 21 of 152,254 alleles (0.014%); highest among the groups gnomAD compares: African/African-American, 0.046%; no homozygotes.

Submission:

Human Evolutionary Genetics, Institut Pasteur
No classification provided. Review status: no classification provided. Collection method: not provided. Allele origin: germline.
ClinVar note: Converted during submission from untested to not provided.